The following is an entry in ClinVar:

ClinVar aggregate classification (germline): Uncertain significance (1 of 4 stars; one submission).

Allele frequency attached by ClinVar (database versions not stated): TOPMed below 0.00001.

Submission:

Labcorp Genetics (formerly Invitae), Labcorp
Classification: Uncertain significance. Last evaluated: 2022-06-08. Review status: criteria provided, single submitter. Criteria: Invitae Variant Classification Sherloc (09022015). Collection method: clinical testing. Allele origin: germline.
Comment: This sequence change replaces histidine, which is basic and polar, with leucine, which is neutral and non-polar, at codon 1598 of the APC2 protein (p.His1598Leu). This variant is not present in population databases (gnomAD no frequency). This variant has not been reported in the literature in individuals affected with APC2-related conditions. Algorithms developed to predict the effect of missense changes on protein structure and function (SIFT, PolyPhen-2, Align-GVGD) all suggest that this variant is likely to be tolerated. In summary, the available evidence is currently insufficient to determine the role of this variant in disease. Therefore, it has been classified as a Variant of Uncertain Significance.

NM_005883.3(APC2):c.4793A>T (p.His1598Leu)

Gene: APC2 (APC regulator of Wnt signaling pathway 2; plus strand). Cytogenetic location: 19p13.3.
Variant type: single nucleotide variant.
Coding change: c.4793A>T on transcript NM_005883.3 (MANE Select); coding-DNA position 4793, A replaced by T.
Protein change: p.His1598Leu; replaces histidine 1598 with leucine.
Molecular consequence: missense variant.
Genome position (GRCh38, 1-based): chr19:1,468,094, A>T. VCF-style: chr19-1468094-A-T. GRCh37 (hg19) VCF-style: chr19-1468093-A-T.
Other names: c.4790A>T, p.His1597Leu (NM_001351273.1); short protein forms H1598L, H1597L.
Identifiers: ClinVar variation 2002830 (VCV002002830.4), dbSNP rs1344007955, ClinGen allele CA403038213.
Genomic context (GRCh38, chr19:1,468,094, plus strand): 5'-CCCTGAGCTCCTCCGCCAGCTCCCTCAGCGAGCCCGAGCCCTCGGAGCCGCCGGCCGTCC[A>T]TCCACGAGGCCGGGAGCCCGCGGTCACCAAGGACCCGGGCCCAGGAGGCGGACGCGACAG-3'
Protein context (NP_005874.1, residues 1588-1608): EPEPSEPPAV[His1598Leu]PRGREPAVTK